The following is an entry in ClinVar:

ClinVar aggregate classification (germline): Pathogenic (1 of 4 stars; one submission).

Conditions:
Autosomal recessive polycystic kidney disease (ARPKD). Also called: AR polycystic kidney disease. Identifiers: Orphanet 731, Orphanet 8378, MedGen C0085548, MeSH D017044, MONDO:0009889.

Submission:

Labcorp Genetics (formerly Invitae), Labcorp
Classification: Pathogenic for Autosomal recessive polycystic kidney disease. Last evaluated: 2022-05-09. Review status: criteria provided, single submitter. Criteria: Invitae Variant Classification Sherloc (09022015). Collection method: clinical testing. Allele origin: germline.
Comment: For these reasons, this variant has been classified as Pathogenic. This variant has not been reported in the literature in individuals affected with PKHD1-related conditions. This variant is not present in population databases (gnomAD no frequency). This sequence change creates a premature translational stop signal (p.Arg3101Thrfs*14) in the PKHD1 gene. It is expected to result in an absent or disrupted protein product. Loss-of-function variants in PKHD1 are known to be pathogenic (PMID: 19940839).

Literature cited by the submitters: PubMed 19940839.

NM_138694.4(PKHD1):c.9302_9303del (p.Arg3101fs)

Gene: PKHD1 (PKHD1 ciliary IPT domain containing fibrocystin/polyductin; minus strand). Cytogenetic location: 6p12.3.
Variant type: Microsatellite.
Coding change: c.9302_9303del on transcript NM_138694.4 (MANE Select); coding-DNA positions 9302 to 9303, 2 bases deleted (GA; older notation c.9302_9303delGA).
Protein change: p.Arg3101fs; shifts the reading frame from arginine 3101.
Molecular consequence: frameshift variant.
Genome position (GRCh38, 1-based): chr6:51,748,313-51,748,314, TC deleted on the plus strand (GA on the coding strand, the reverse complement: PKHD1 is on the minus strand); deleting any 2 consecutive bases within chr6:51,748,313-51,748,319 gives the same sequence; the c. name uses the placement nearest the transcript's 3' end. VCF-style (leftmost placement, unchanged base first): chr6-51748312-GTC-G. GRCh37 (hg19) VCF-style: chr6-51613110-GTC-G.
Other names: c.9302_9303del, p.Arg3101fs (NM_170724.3); short protein forms R3101fs.
Identifiers: ClinVar variation 2135842 (VCV002135842.4), dbSNP rs2533821037, ClinGen allele CA2580617249.